The following is an entry in ClinVar:

ClinVar aggregate classification (germline): Likely benign (0 of 4 stars; one submission).

Conditions:
SEMA3B-related disorder. Also called: SEMA3B-related condition.

Submission:

PreventionGenetics, part of Exact Sciences
Classification: Likely benign for SEMA3B-related condition. Last evaluated: 2021-05-19. Review status: no assertion criteria provided. Collection method: clinical testing. Allele origin: germline.
Comment: This variant is classified as likely benign based on ACMG/AMP sequence variant interpretation guidelines (Richards et al. 2015 PMID: 25741868, with internal and published modifications).

NM_001290060.2(SEMA3B):c.72C>T (p.Ala24=)

Gene: SEMA3B (semaphorin 3B; plus strand). Cytogenetic location: 3p21.31.
Variant type: single nucleotide variant.
Coding change: c.72C>T on transcript NM_001290060.2 (MANE Select); coding-DNA position 72, C replaced by T.
Protein change: p.Ala24=; no amino-acid change (alanine 24 retained).
Molecular consequence: synonymous variant.
Genome position (GRCh38, 1-based): chr3:50,269,312, C>T. VCF-style: chr3-50269312-C-T. GRCh37 (hg19) VCF-style: chr3-50306744-C-T.
Other names: c.72C>T, p.Ala24= (NM_001290061.1, NM_004636.4, NM_001005914.3).
Identifiers: ClinVar variation 3357075 (VCV003357075.1).